The following is an entry in ClinVar:

NM_021614.4(KCNN2):c.453G>T (p.Ser151=)

Gene: KCNN2 (potassium calcium-activated channel subfamily N member 2; plus strand). Cytogenetic location: 5q22.3.
Variant type: single nucleotide variant.
Coding change: c.453G>T on transcript NM_021614.4 (MANE Select); coding-DNA position 453, G replaced by T.
Protein change: p.Ser151=; no amino-acid change (serine 151 retained).
Molecular consequence: synonymous variant. On other transcripts: non-coding transcript variant (1).
Genome position (GRCh38, 1-based): chr5:114,362,592, G>T. VCF-style: chr5-114362592-G-T. GRCh37 (hg19) VCF-style: chr5-113698289-G-T.
Other names: c.651G>T, p.Ser217= (NM_001372233.1).
Identifiers: ClinVar variation 4872353 (VCV004872353.2).
Genomic context (GRCh38, chr5:114,362,592, plus strand): 5'-GCCGTCCAGCCATGCCAGTGCGCTCCGGCAGCAGTACGCGCAGCAGTCCGCGCAGCAGTC[G>T]GCGTCCGCCTCCCAGTACCACCAGTGCCACAGCCTGCAGCCCGCCGCCAGCCCCACGGGC-3'
Protein context (NP_067627.3, residues 141-161): QQYAQQSAQQ[Ser151=]ASASQYHQCH

ClinVar aggregate classification (germline): Likely benign (1 of 4 stars; one submission).

gnomAD v4.1: 136 of 759,094 alleles (0.018%); highest among the groups gnomAD compares: Non-Finnish European, 0.024%; no homozygotes.

Submission:

CeGaT Center for Human Genetics Tuebingen
Classification: Likely benign. Last evaluated: 2026-07-01. Review status: criteria provided, single submitter. Criteria: CeGaT Center For Human Genetics Tuebingen Variant Classification Criteria Version 2. Collection method: clinical testing. Allele origin: germline. Affected: yes. Observed: 1 variant allele.
Comment: KCNN2: BP4